The following is an entry in ClinVar:

ClinVar aggregate classification (germline): Uncertain significance. Review status: criteria provided, multiple submitters, no conflicts (2 of 4 stars). 3 submissions from 3 submitters: Uncertain significance (3). Last evaluated 2026-01-22.

Conditions:
Developmental and epileptic encephalopathy, 66. Also called: EPILEPTIC ENCEPHALOPATHY, EARLY INFANTILE, 66. Identifiers: MedGen C4748070, MONDO:0054845, OMIM 618067.

gnomAD v4.1: 4 of 1,613,748 alleles (0.00025%); highest among the groups gnomAD compares: South Asian, 0.0022%; no homozygotes.

Submissions (3):

GeneDx
Classification: Uncertain significance. Last evaluated: 2026-01-22. Review status: criteria provided, single submitter. Criteria: GeneDx Variant Classification Process June 2021. Collection method: clinical testing. Allele origin: germline.
Comment: Not observed at significant frequency in large population cohorts (gnomAD); In silico analysis supports that this missense variant has a deleterious effect on protein structure/function; Has not been previously published as pathogenic or benign to our knowledge

Labcorp Genetics (formerly Invitae), Labcorp
Classification: Uncertain significance. Last evaluated: 2024-11-07. Review status: criteria provided, single submitter. Criteria: Invitae Variant Classification Sherloc (09022015). Collection method: clinical testing. Allele origin: germline.
Comment: This sequence change replaces serine, which is neutral and polar, with tryptophan, which is neutral and slightly polar, at codon 329 of the PACS2 protein (p.Ser329Trp). This variant is not present in population databases (gnomAD no frequency). This variant has not been reported in the literature in individuals affected with PACS2-related conditions. ClinVar contains an entry for this variant (Variation ID: 1810540). Invitae Evidence Modeling of protein sequence and biophysical properties (such as structural, functional, and spatial information, amino acid conservation, physicochemical variation, residue mobility, and thermodynamic stability) indicates that this missense variant is expected to disrupt PACS2 protein function with a positive predictive value of 80%. In summary, the available evidence is currently insufficient to determine the role of this variant in disease. Therefore, it has been classified as a Variant of Uncertain Significance.

Revvity Omics, Revvity
Classification: Uncertain significance for Developmental and epileptic encephalopathy, 66. Last evaluated: 2022-06-02. Review status: criteria provided, single submitter. Criteria: ACMG Guidelines, 2015. Collection method: clinical testing. Allele origin: germline.

NM_001100913.3(PACS2):c.986C>G (p.Ser329Trp)

Gene: PACS2 (phosphofurin acidic cluster sorting protein 2; plus strand). Cytogenetic location: 14q32.33.
Variant type: single nucleotide variant.
Coding change: c.986C>G on transcript NM_001100913.3 (MANE Select); coding-DNA position 986, C replaced by G.
Protein change: p.Ser329Trp; replaces serine 329 with tryptophan.
Molecular consequence: missense variant.
Genome position (GRCh38, 1-based): chr14:105,379,765, C>G. VCF-style: chr14-105379765-C-G. GRCh37 (hg19) VCF-style: chr14-105846102-C-G.
Other names: c.761C>G, p.Ser254Trp (NM_001243127.3); c.986C>G, p.Ser329Trp (NM_015197.4); short protein forms S254W, S329W.
Identifiers: ClinVar variation 1810540 (VCV001810540.8), dbSNP rs782807257, ClinGen allele CA391179982.